The following is an entry in ClinVar:

NC_012920.1(MT-CYB):m.15779T>C

Gene: MT-CYB (mitochondrially encoded cytochrome b; plus strand).
Variant type: single nucleotide variant.
Genome position: chrM-15779-T-C.
Identifiers: ClinVar variation 693951 (VCV000693951.1), dbSNP rs1603225480, ClinGen allele CA913174816.
Genomic context (GRCh38, chrMT:15,779, plus strand): 5'-TATTGACTCCTAGCCGCAGACCTCCTCATTCTAACCTGAATCGGAGGACAACCAGTAAGC[T>C]ACCCTTTTACCATCATTGGACAAGTAGCATCCGTACTATACTTCACAACAATCCTAATCC-3'

ClinVar aggregate classification (germline): Likely benign (1 of 4 stars; one submission).

Conditions:
Leigh syndrome (NULS). Also called: Leigh's necrotizing encephalopathy; Leigh's disease; Leigh's syndrome; LEIGH SYNDROME, NUCLEAR; Leigh Syndrome (mtDNA deletion); Leigh Disease. Identifiers: Orphanet 506, MedGen C2931891, MONDO:0009723, OMIM 256000.

Submission:

Wong Mito Lab, Molecular and Human Genetics, Baylor College of Medicine
Classification: Likely benign for Leigh syndrome. Last evaluated: 2019-10-17. Review status: criteria provided, single submitter. Criteria: Modified ACMG Guidelines (Unpublished). Collection method: clinical testing. Allele origin: germline.
Comment: The NC_012920.1:m.15779T>C (YP_003024038.1:p.Tyr345His) variant in MTCYB gene is interpretated to be a Likely Benign variant based on the modified ACMG guidelines (unpublished). This variant meets the following evidence codes: BP4, BP5